The following is an entry in ClinVar:

NM_000222.3(KIT):c.19G>T (p.Ala7Ser)

Gene: KIT (KIT proto-oncogene, receptor tyrosine kinase; plus strand). Cytogenetic location: 4q12.
Variant type: single nucleotide variant.
Coding change: c.19G>T on transcript NM_000222.3 (MANE Select); coding-DNA position 19, G replaced by T.
Protein change: p.Ala7Ser; replaces alanine 7 with serine.
Molecular consequence: missense variant.
Genome position (GRCh38, 1-based): chr4:54,658,033, G>T. VCF-style: chr4-54658033-G-T. GRCh37 (hg19) VCF-style: chr4-55524200-G-T.
Other names: c.19G>T (NM_000222.2); c.19G>T, p.Ala7Ser (NM_001093772.2, NM_001385284.1, NM_001385285.1 and 4 more transcripts); short protein forms A7S.
Identifiers: ClinVar variation 1503461 (VCV001503461.9), dbSNP rs1285711357, ClinGen allele CA356897877.

ClinVar aggregate classification (germline): Uncertain significance. Review status: criteria provided, multiple submitters, no conflicts (2 of 4 stars). 2 submissions from 2 submitters: Uncertain significance (2). Last evaluated 2025-02-22.

Conditions:
Gastrointestinal stromal tumor. Also called: Gastrointestinal stromal tumor, somatic; Gastrointestinal stroma tumor. Identifiers: Orphanet 44890, MedGen C0238198, MeSH D046152, MONDO:0011719, OMIM 606764, HP:0100723.
Hereditary cancer-predisposing syndrome. Also called: Tumor predisposition; Neoplastic Syndromes, Hereditary; Hereditary Cancer Syndrome; Hereditary neoplastic syndrome. Identifiers: Orphanet 140162, MedGen C0027672, MeSH D009386, MONDO:0015356.

gnomAD v4.1: 2 of 1,613,850 alleles (0.00012%); highest among the groups gnomAD compares: Non-Finnish European, 0.00017%; no homozygotes.

Submissions (2):

Ambry Genetics
Classification: Uncertain significance for Hereditary cancer-predisposing syndrome. Last evaluated: 2025-02-22. Review status: criteria provided, single submitter. Criteria: Ambry Variant Classification Scheme 2023. Collection method: clinical testing. Allele origin: germline.
Comment: The p.A7S variant (also known as c.19G>T), located in coding exon 1 of the KIT gene, results from a G to T substitution at nucleotide position 19. The alanine at codon 7 is replaced by serine, an amino acid with similar properties. This amino acid position is conserved. In addition, this alteration is predicted to be tolerated by in silico analysis. Based on the available evidence, the clinical significance of this variant remains unclear.

Labcorp Genetics (formerly Invitae), Labcorp
Classification: Uncertain significance for Gastrointestinal stromal tumor. Last evaluated: 2021-05-04. Review status: criteria provided, single submitter. Criteria: Invitae Variant Classification Sherloc (09022015). Collection method: clinical testing. Allele origin: germline.
Comment: This variant is not present in population databases (ExAC no frequency). This sequence change replaces alanine with serine at codon 7 of the KIT protein (p.Ala7Ser). The alanine residue is moderately conserved and there is a moderate physicochemical difference between alanine and serine. This variant has not been reported in the literature in individuals with KIT-related conditions. Algorithms developed to predict the effect of missense changes on protein structure and function (SIFT, PolyPhen-2, Align-GVGD) all suggest that this variant is likely to be tolerated, but these predictions have not been confirmed by published functional studies and their clinical significance is uncertain. In summary, the available evidence is currently insufficient to determine the role of this variant in disease. Therefore, it has been classified as a Variant of Uncertain Significance.